The following is an entry in ClinVar:

NM_003114.5(SPAG1):c.2458A>G (p.Lys820Glu)

Gene: SPAG1 (sperm associated antigen 1; plus strand). Cytogenetic location: 8q22.2.
Variant type: single nucleotide variant.
Coding change: c.2458A>G on transcript NM_003114.5 (MANE Select); coding-DNA position 2458, A replaced by G.
Protein change: p.Lys820Glu; replaces lysine 820 with glutamic acid.
Molecular consequence: missense variant.
Genome position (GRCh38, 1-based): chr8:100,240,580, A>G. VCF-style: chr8-100240580-A-G. GRCh37 (hg19) VCF-style: chr8-101252808-A-G.
Other names: c.2458A>G, p.Lys820Glu (NM_001374321.1, NM_172218.3); c.2458A>G (NM_172218.2); short protein forms K820E.
Identifiers: ClinVar variation 1513866 (VCV001513866.6), dbSNP rs369552222, ClinGen allele CA4827755.
Genomic context (GRCh38, chr8:100,240,580, plus strand): 5'-ATAGCCAAGCCTAATAATGCCTATGAATTTGGTCAGATTATAAATGCTCTCAGTACCAGG[A>G]AGGATAAAGAAGCCTGTGCACATCTTTTAGCCATCACTGCACCAAAAGATTTGCCGATGT-3'
Protein context (NP_003105.2, residues 810-830): GQIINALSTR[Lys820Glu]DKEACAHLLA

ClinVar aggregate classification (germline): Uncertain significance. Review status: criteria provided, multiple submitters, no conflicts (2 of 4 stars). 2 submissions from 2 submitters: Uncertain significance (2). Last evaluated 2024-10-14.

Conditions:
Primary ciliary dyskinesia 28. Also called: CILIARY DYSKINESIA, PRIMARY, 28, WITH OR WITHOUT SITUS INVERSUS. Identifiers: Orphanet 244, MedGen C3809706, MONDO:0014216, OMIM 615505.
Primary ciliary dyskinesia. Also called: Ciliary dyskinesia. Identifiers: Orphanet 244, MedGen C0008780, MONDO:0016575, HP:0012265.

Allele frequency attached by ClinVar (database versions not stated): gnomAD exomes 0.00003 and 0.00005; TOPMed 0.00003; gnomAD 0.00005 and 0.00006; ExAC 0.00007; ESP Exome Variant Server 0.00008.
gnomAD v4.1: 93 of 1,613,968 alleles (0.0058%); highest among the groups gnomAD compares: Middle Eastern, 0.016%; no homozygotes.

Submissions (2):

Labcorp Genetics (formerly Invitae), Labcorp
Classification: Uncertain significance for Primary ciliary dyskinesia 28. Last evaluated: 2024-10-14. Review status: criteria provided, single submitter. Criteria: Invitae Variant Classification Sherloc (09022015). Collection method: clinical testing. Allele origin: germline.
Comment: This sequence change replaces lysine, which is basic and polar, with glutamic acid, which is acidic and polar, at codon 820 of the SPAG1 protein (p.Lys820Glu). This variant is present in population databases (rs369552222, gnomAD 0.009%). This variant has not been reported in the literature in individuals affected with SPAG1-related conditions. ClinVar contains an entry for this variant (Variation ID: 1513866). Invitae Evidence Modeling of protein sequence and biophysical properties (such as structural, functional, and spatial information, amino acid conservation, physicochemical variation, residue mobility, and thermodynamic stability) indicates that this missense variant is not expected to disrupt SPAG1 protein function with a negative predictive value of 80%. In summary, the available evidence is currently insufficient to determine the role of this variant in disease. Therefore, it has been classified as a Variant of Uncertain Significance.

Ambry Genetics
Classification: Uncertain significance for Primary ciliary dyskinesia. Last evaluated: 2023-01-23. Review status: criteria provided, single submitter. Criteria: Ambry Variant Classification Scheme 2023. Collection method: clinical testing. Allele origin: germline.